The following is an entry in ClinVar:

ClinVar aggregate classification (germline): Uncertain significance (1 of 4 stars; one submission).

Conditions:
Temple-Baraitser syndrome (TMBTS). Also called: Severe mental retardation and absent nails of hallux and pollex. Identifiers: Orphanet 420561, MedGen C2678486, MONDO:0012735, OMIM 611816.

Submission:

Victorian Clinical Genetics Services, Murdoch Childrens Research Institute
Classification: Uncertain significance for Temple-Baraitser syndrome. Last evaluated: 2020-05-25. Review status: criteria provided, single submitter. Criteria: ACMG Guidelines, 2015. Collection method: clinical testing. Allele origin: germline. Inheritance: Autosomal dominant inheritance.
Comment: Based on the classification scheme VCGS_Germline_v1.1.1, this variant is classified as 3B-VUS. Following criteria are met: 0101 - Gain-of-function is a known mechanism of disease for this gene (OMIM). (N) 0107 - This gene is known to be associated with autosomal dominant disease. (N) 0200 - Variant is predicted to result in a missense amino acid change from histidine to proline (exon 11). (N) 0251 - Variant is heterozygous. (N) 0301 - Variant is absent from gnomAD. (P) 0502 - Missense variant with conflicting in-silico predictions and/or uninformative conservation. (N) 0604 - Variant is not located in an established domain, motif, hotspot or informative constraint region. (N) 0705 - No comparable variants have previous evidence for pathogenicity. (N) 0807 - Variant has not previously been reported in a clinical context. (N) 0905 - No segregation evidence has been identified for this variant. (N) 1007 - No published functional evidence has been identified for this variant. (N) 1208 - Inheritance information for this variant is not currently available. (N) Legend: (P) - Pathogenic, (N) - Neutral, (B) - Benign

NM_172362.3(KCNH1):c.2735A>C (p.His912Pro)

Gene: KCNH1 (potassium voltage-gated channel subfamily H member 1; minus strand). Cytogenetic location: 1q32.2.
Variant type: single nucleotide variant.
Coding change: c.2735A>C on transcript NM_172362.3 (MANE Select); coding-DNA position 2735, A replaced by C.
Protein change: p.His912Pro; replaces histidine 912 with proline.
Molecular consequence: missense variant.
Genome position (GRCh38, 1-based): chr1:210,683,516, T>G on the plus strand (A>C on the coding strand, the complement: KCNH1 is on the minus strand). VCF-style: chr1-210683516-T-G. GRCh37 (hg19) VCF-style: chr1-210856858-T-G.
Other names: c.2654A>C, p.His885Pro (NM_002238.4); short protein forms H885P, H912P.
Identifiers: ClinVar variation 1699286 (VCV001699286.3), dbSNP rs2149000714, ClinGen allele CA344870539.